The following is an entry in ClinVar:

ClinVar aggregate classification (germline): Uncertain significance. Review status: criteria provided, multiple submitters, no conflicts (2 of 4 stars). 2 submissions from 2 submitters: Uncertain significance (2). Last evaluated 2025-07-30.

Conditions:
2-aminoadipic 2-oxoadipic aciduria (AAKAD). Also called: Aminoadipic aciduria; ALPHA-AMINOADIPIC AND ALPHA-KETOADIPIC ACIDURIA. Identifiers: Orphanet 79154, MedGen C1859817, MONDO:0008774, OMIM 204750.

gnomAD v4.1: 54 of 1,613,452 alleles (0.0033%); highest among the groups gnomAD compares: Non-Finnish European, 0.0042%; no homozygotes.

Submissions (2):

ARUP Laboratories, Molecular Genetics and Genomics, ARUP Laboratories
Classification: Uncertain significance. Last evaluated: 2025-07-30. Review status: criteria provided, single submitter. Criteria: ARUP Molecular Germline Variant Investigation Process 2024. Collection method: clinical testing. Allele origin: germline.
Comment: The DHTKD1 c.1769G>A; p.Arg590His variant (rs139836411), to our knowledge, is not reported in the medical literature but is reported in ClinVar (Variation ID: 1932561). This variant is found in the general population with an overall allele frequency of 0.0025% (7/282390 alleles) in the Genome Aggregation Database (v2.1.1). Computational analyses predict that this variant is deleterious (REVEL: 0.974). Due to limited information, the clinical significance of this variant is uncertain at this time.

Labcorp Genetics (formerly Invitae), Labcorp
Classification: Uncertain significance for 2-aminoadipic 2-oxoadipic aciduria. Last evaluated: 2024-10-30. Review status: criteria provided, single submitter. Criteria: Invitae Variant Classification Sherloc (09022015). Collection method: clinical testing. Allele origin: germline.
Comment: This sequence change replaces arginine, which is basic and polar, with histidine, which is basic and polar, at codon 590 of the DHTKD1 protein (p.Arg590His). This variant is present in population databases (rs139836411, gnomAD 0.005%). This variant has not been reported in the literature in individuals affected with DHTKD1-related conditions. ClinVar contains an entry for this variant (Variation ID: 1932561). Invitae Evidence Modeling of protein sequence and biophysical properties (such as structural, functional, and spatial information, amino acid conservation, physicochemical variation, residue mobility, and thermodynamic stability) indicates that this missense variant is expected to disrupt DHTKD1 protein function with a positive predictive value of 80%. In summary, the available evidence is currently insufficient to determine the role of this variant in disease. Therefore, it has been classified as a Variant of Uncertain Significance.

NM_018706.7(DHTKD1):c.1769G>A (p.Arg590His)

Gene: DHTKD1 (dehydrogenase E1 and transketolase domain containing 1; plus strand). Cytogenetic location: 10p14.
Variant type: single nucleotide variant.
Coding change: c.1769G>A on transcript NM_018706.7 (MANE Select); coding-DNA position 1769, G replaced by A.
Protein change: p.Arg590His; replaces arginine 590 with histidine.
Molecular consequence: missense variant.
Genome position (GRCh38, 1-based): chr10:12,101,054, G>A. VCF-style: chr10-12101054-G-A. GRCh37 (hg19) VCF-style: chr10-12143053-G-A.
Other names: short protein forms R590H.
Identifiers: ClinVar variation 1932561 (VCV001932561.6), dbSNP rs139836411, ClinGen allele CA5408033.